The following is an entry in ClinVar:

NM_152564.5(VPS13B):c.1043G>A (p.Trp348Ter)

Gene: VPS13B (vacuolar protein sorting 13 homolog B; plus strand). Cytogenetic location: 8q22.2.
Variant type: single nucleotide variant.
Coding change: c.1043G>A on transcript NM_152564.5 (MANE Select); coding-DNA position 1043, G replaced by A.
Protein change: p.Trp348Ter; replaces tryptophan 348 with a stop codon.
Molecular consequence: nonsense. On other transcripts: non-coding transcript variant (1).
Genome position (GRCh38, 1-based): chr8:99,121,282, G>A. VCF-style: chr8-99121282-G-A. GRCh37 (hg19) VCF-style: chr8-100133510-G-A.
Other names: c.1043G>A, p.Trp348Ter (NM_015243.3, NM_017890.5, NM_181661.3); short protein forms W348*.
Identifiers: ClinVar variation 1698708 (VCV001698708.3), dbSNP rs2132516120, ClinGen allele CA371860991.

ClinVar aggregate classification (germline): Pathogenic (1 of 4 stars; one submission).

Conditions:
Cohen syndrome (COH1). Also called: Cutis verticis gyrata, retinitis pigmentosa, and sensorineural deafness; PEPPER SYNDROME. Identifiers: Orphanet 193, MedGen C0265223, MONDO:0008999, OMIM 216550.

Submission:

Genetics Laboratory, Department of Biology, Semnan University
Classification: Pathogenic for Cohen syndrome. Last evaluated: 2020-07-02. Review status: criteria provided, single submitter. Criteria: ACMG Guidelines, 2015. Collection method: case-control. Allele origin: inherited. Inheritance: Autosomal recessive inheritance. Affected: yes. Observed: 1 homozygote.
Comment: The WES analysis identified a nonsense mutation in the VPS13B gene on chromosome8 (NM_015243.3); chr8:99121282,c.G1043A:p.W348X. The mutation was predicted to be pathogenic based on ACMG guidelines. Our review of the public resources, local population database, and the literature revealed that there is no previous publication describing this mutation.